The following is an entry in ClinVar:

ClinVar aggregate classification (germline): Likely benign. Review status: criteria provided, multiple submitters, no conflicts (2 of 4 stars). 3 submissions from 3 submitters: Likely benign (3). Last evaluated 2024-02-10.

Allele frequency attached by ClinVar (database versions not stated): gnomAD 0.00001; TOPMed 0.00001.
gnomAD v4.1: 21 of 1,614,036 alleles (0.0013%); highest among the groups gnomAD compares: African/African-American, 0.004%; no homozygotes.

Submissions (3):

Labcorp Genetics (formerly Invitae), Labcorp
Classification: Likely benign. Last evaluated: 2024-02-10. Review status: criteria provided, single submitter. Criteria: Invitae Variant Classification Sherloc (09022015). Collection method: clinical testing. Allele origin: germline.

CeGaT Center for Human Genetics Tuebingen
Classification: Likely benign. Last evaluated: 2022-12-01. Review status: criteria provided, single submitter. Criteria: CeGaT Center For Human Genetics Tuebingen Variant Classification Criteria Version 2. Collection method: clinical testing. Allele origin: germline. Affected: yes. Observed: 1 variant allele.
Comment: SETBP1: BP4, BP7

Blueprint Genetics
Classification: Likely benign. Last evaluated: 2019-09-17. Review status: criteria provided, single submitter. Criteria: ACMG Guidelines, 2015. Collection method: clinical testing. Allele origin: germline.

NM_015559.3(SETBP1):c.756C>T (p.Pro252=)

Gene: SETBP1 (SET binding protein 1; plus strand). Cytogenetic location: 18q12.3.
Variant type: single nucleotide variant.
Coding change: c.756C>T on transcript NM_015559.3 (MANE Select); coding-DNA position 756, C replaced by T.
Protein change: p.Pro252=; no amino-acid change (proline 252 retained).
Molecular consequence: synonymous variant.
Genome position (GRCh38, 1-based): chr18:44,950,096, C>T. VCF-style: chr18-44950096-C-T. GRCh37 (hg19) VCF-style: chr18-42530061-C-T.
Other names: c.756C>T, p.Pro252= (NM_001379141.1, NM_001379142.1).
Identifiers: ClinVar variation 1586818 (VCV001586818.34), dbSNP rs762370146, ClinGen allele CA8945492.